The following is an entry in ClinVar:

ClinVar aggregate classification (germline): Pathogenic. Review status: criteria provided, multiple submitters, no conflicts (2 of 4 stars). 3 submissions from 3 submitters: Pathogenic (3). Last evaluated 2025-12-30.

Conditions:
Hereditary cancer-predisposing syndrome. Also called: Tumor predisposition; Neoplastic Syndromes, Hereditary; Hereditary Cancer Syndrome; Hereditary neoplastic syndrome. Identifiers: Orphanet 140162, MedGen C0027672, MeSH D009386, MONDO:0015356.
Familial cancer of breast. Also called: Hereditary breast cancer; BREAST CANCER, FAMILIAL; hereditary breast carcinoma. Identifiers: Orphanet 227535, MedGen C0346153, MONDO:0016419, OMIM 114480. Disease mechanism: loss of function.
Ataxia-telangiectasia syndrome (AT). Also called: ATAXIA-TELANGIECTASIA, COMPLEMENTATION GROUP A; ATAXIA-TELANGIECTASIA, FRESNO VARIANT; Ataxia-telangiectasia; Ataxia-telangiectasia, complementation group D; AT, COMPLEMENTATION GROUP C; Ataxia-telangiectasia, complementation group E. Identifiers: Orphanet 100, MedGen C0004135, MONDO:0008840, OMIM 208900.

gnomAD v4.1: 2 of 1,613,490 alleles (0.00012%); highest among the groups gnomAD compares: South Asian, 0.0011%; no homozygotes.

Submissions (3):

Labcorp Genetics (formerly Invitae), Labcorp
Classification: Pathogenic for Ataxia-telangiectasia syndrome. Last evaluated: 2025-12-30. Review status: criteria provided, single submitter. Criteria: Invitae Variant Classification Sherloc (09022015). Collection method: clinical testing. Allele origin: germline.
Comment: This sequence change creates a premature translational stop signal (p.Tyr2514*) in the ATM gene. It is expected to result in an absent or disrupted protein product. Loss-of-function variants in ATM are known to be pathogenic (PMID: 23807571, 25614872). This variant is not present in population databases (gnomAD no frequency). This premature translational stop signal has been observed in individual(s) with ataxia telangiectasia (PMID: 9792409). ClinVar contains an entry for this variant (Variation ID: 827109). For these reasons, this variant has been classified as Pathogenic.

Myriad Genetics, Inc.
Classification: Pathogenic for Familial cancer of breast. Last evaluated: 2024-01-31. Review status: criteria provided, single submitter. Criteria: Myriad Autosomal Dominant, Autosomal Recessive and X-Linked Classification Criteria (2023). Collection method: clinical testing. Allele origin: unknown.
Comment: This variant is considered pathogenic. This variant creates a termination codon and is predicted to result in premature protein truncation.

Ambry Genetics
Classification: Pathogenic for Hereditary cancer-predisposing syndrome. Last evaluated: 2017-12-20. Review status: criteria provided, single submitter. Criteria: Ambry Variant Classification Scheme 2023. Collection method: clinical testing. Allele origin: germline.
Comment: The p.Y2514* pathogenic mutation (also known as c.7542T>A), located in coding exon 50 of the ATM gene, results from a T to A substitution at nucleotide position 7542. This changes the amino acid from a tyrosine to a stop codon within coding exon 50. This alteration has been reported in a cohort of individuals with classic ataxia telangiectasia (Broeks A et al. Hum. Mutat. 1998;12:330-7). In addition to the clinical data presented in the literature, this alteration is expected to result in loss of function by premature protein truncation or nonsense-mediated mRNA decay. As such, this alteration is interpreted as a disease-causing mutation.

Literature cited by the submitters: PubMed 23807571 (cited by Labcorp Genetics (formerly Invitae), Labcorp); PubMed 25614872 (cited by Labcorp Genetics (formerly Invitae), Labcorp); PubMed 9792409 (cited by Labcorp Genetics (formerly Invitae), Labcorp and Ambry Genetics); PubMed 25525159 (cited by Ambry Genetics).

NM_000051.4(ATM):c.7542T>A (p.Tyr2514Ter)

Genes: ATM (ATM serine/threonine kinase; plus strand), C11orf65 (chromosome 11 open reading frame 65; minus strand). Cytogenetic location: 11q22.3.
Variant type: single nucleotide variant.
Coding change: c.7542T>A on transcript NM_000051.4 (MANE Select); coding-DNA position 7542, T replaced by A.
Protein change: p.Tyr2514Ter; replaces tyrosine 2514 with a stop codon.
Molecular consequence: nonsense. On other transcripts: non-coding transcript variant (1), intron variant (2).
Genome position (GRCh38, 1-based): chr11:108,331,470, T>A. VCF-style: chr11-108331470-T-A. GRCh37 (hg19) VCF-style: chr11-108202197-T-A.
Other names: c.7542T>A, p.Tyr2514Ter (NM_001351834.2); c.641-22399A>T (NM_001330368.2); c.*38+3750A>T (NM_001351110.2); short protein forms Y2514*.
Identifiers: ClinVar variation 827109 (VCV000827109.6), dbSNP rs777925486, ClinGen allele CA382560688.